The following is an entry in ClinVar:

NM_016327.3(UPB1):c.702C>T (p.Tyr234=)

Gene: UPB1 (beta-ureidopropionase 1; plus strand). Cytogenetic location: 22q11.23.
Variant type: single nucleotide variant.
Coding change: c.702C>T on transcript NM_016327.3 (MANE Select); coding-DNA position 702, C replaced by T.
Protein change: p.Tyr234=; no amino-acid change (tyrosine 234 retained).
Molecular consequence: synonymous variant.
Genome position (GRCh38, 1-based): chr22:24,515,281, C>T. VCF-style: chr22-24515281-C-T. GRCh37 (hg19) VCF-style: chr22-24911249-C-T.
Identifiers: ClinVar variation 100159 (VCV000100159.16), dbSNP rs74883165, ClinGen allele CA228239.

ClinVar aggregate classification (germline): Benign/Likely benign. Review status: criteria provided, multiple submitters, no conflicts (2 of 4 stars). 6 submissions from 6 submitters: Benign (3); Likely benign (1). 2 of the submissions do not count toward it. Last evaluated 2026-01-26.

Conditions:
UPB1-related disorder. Also called: UPB1-related condition.
Deficiency of beta-ureidopropionase (UPB1D). Also called: Beta-ureidopropionase deficiency. Identifiers: Orphanet 65287, MedGen C1291512, MONDO:0013164, OMIM 613161.

Allele frequency attached by ClinVar (database versions not stated): ESP Exome Variant Server 0.00423; TOPMed 0.00476; 1000 Genomes Project 0.00599; 1000 Genomes Project 30x 0.00609; gnomAD exomes 0.00038 and 0.00105; ExAC 0.00113; gnomAD 0.00358 and 0.00382.
gnomAD v4.1: 1,151 of 1,614,166 alleles (0.071%); highest among the groups gnomAD compares: African/African-American, 1.2%; 5 homozygotes.

Submissions (6):

Labcorp Genetics (formerly Invitae), Labcorp
Classification: Benign. Last evaluated: 2026-01-26. Review status: criteria provided, single submitter. Criteria: Invitae Variant Classification Sherloc (09022015). Collection method: clinical testing. Allele origin: germline.

Blueprint Genetics
Classification: Likely benign. Last evaluated: 2024-10-31. Review status: criteria provided, single submitter. Criteria: ACMG Guidelines, 2015. Collection method: clinical testing. Allele origin: germline.

Illumina Laboratory Services, Illumina
Classification: Benign for Deficiency of beta-ureidopropionase. Last evaluated: 2018-01-12. Review status: criteria provided, single submitter. Criteria: ICSL Variant Classification Criteria 13 December 2019. Collection method: clinical testing. Allele origin: germline.
Comment: This variant was observed in the ICSL laboratory as part of a predisposition screen in an ostensibly healthy population. It had not been previously curated by ICSL or reported in the Human Gene Mutation Database (HGMD: prior to June 1st, 2018), and was therefore a candidate for classification through an automated scoring system. Utilizing variant allele frequency, disease prevalence and penetrance estimates, and inheritance mode, an automated score was calculated to assess if this variant is too frequent to cause the disease. Based on the score and internal cut-off values, a variant classified as benign is not then subjected to further curation. The score for this variant resulted in a classification of benign for this disease.

Breakthrough Genomics
Classification: Benign. Review status: criteria provided, single submitter. Criteria: ACMG Guidelines, 2015. Collection method: not provided. Allele origin: germline. Inheritance: Autosomal recessive inheritance. Affected: yes.

PreventionGenetics, part of Exact Sciences
Classification: Benign for UPB1-related condition. Last evaluated: 2024-09-06. Review status: no assertion criteria provided. Collection method: clinical testing. Allele origin: germline. Not counted in ClinVar's aggregate classification.
Comment: This variant is classified as benign based on ACMG/AMP sequence variant interpretation guidelines (Richards et al. 2015 PMID: 25741868, with internal and published modifications).

Diasio Lab,  Mayo Clinic
No classification provided. Review status: no classification provided. Collection method: not provided. Allele origin: unknown. Not counted in ClinVar's aggregate classification.